The following is an entry in ClinVar:

ClinVar aggregate classification (germline): Pathogenic (1 of 4 stars; one submission).

Submission:

GeneDx
Classification: Pathogenic. Last evaluated: 2024-09-05. Review status: criteria provided, single submitter. Criteria: GeneDx Variant Classification Process June 2021. Collection method: clinical testing. Allele origin: germline. Affected: yes.
Comment: Observed in apparent homozygous state in patients with features consistent with Griscelli syndrome type 2 in published literature and not observed in homozygous state in controls (PMID: 30630937, 37368332); Frameshift variant predicted to result in protein truncation or nonsense mediated decay in a gene for which loss of function is a known mechanism of disease; This variant is associated with the following publications: (PMID: 16551969, 30630937, 37368332)

NM_183235.3(RAB27A):c.148_149delinsC (p.Arg50fs)

Gene: RAB27A (RAB27A, member RAS oncogene family; minus strand). Cytogenetic location: 15q21.3.
Variant type: Indel.
Coding change: c.148_149delinsC on transcript NM_183235.3 (MANE Select); coding-DNA positions 148 to 149, AG replaced by C.
Protein change: p.Arg50fs; shifts the reading frame from arginine 50.
Molecular consequence: frameshift variant.
Genome position (GRCh38, 1-based): chr15:55,234,786-55,234,787, CT replaced by G on the plus strand (AG replaced by C on the coding strand, the reverse complement: RAB27A is on the minus strand). VCF-style: chr15-55234786-CT-G. GRCh37 (hg19) VCF-style: chr15-55526984-CT-G.
Other names: c.148_149delinsC, p.Arg50fs (NM_004580.5, NM_183236.3); c.148_149delAGinsC, p.Arg50Glnfs (NM_183234.3); short protein forms R50fs.
Identifiers: ClinVar variation 3767552 (VCV003767552.1).